The following is an entry in ClinVar:

ClinVar aggregate classification (germline): Uncertain significance (1 of 4 stars; one submission).

Conditions:
Early-infantile DEE. Also called: Ohtahara syndrome; Early infantile epileptic encephalopathy; Early infantile epileptic encephalopathy with suppression bursts. Identifiers: Orphanet 1934, MedGen C0393706, MONDO:0800491.

Submission:

Labcorp Genetics (formerly Invitae), Labcorp
Classification: Uncertain significance for Early-infantile DEE. Last evaluated: 2024-05-22. Review status: criteria provided, single submitter. Criteria: Invitae Variant Classification Sherloc (09022015). Collection method: clinical testing. Allele origin: germline.
Comment: This sequence change replaces isoleucine, which is neutral and non-polar, with threonine, which is neutral and polar, at codon 49 of the GNAO1 protein (p.Ile49Thr). This variant is not present in population databases (gnomAD no frequency). This variant has not been reported in the literature in individuals affected with GNAO1-related conditions. Advanced modeling of protein sequence and biophysical properties (such as structural, functional, and spatial information, amino acid conservation, physicochemical variation, residue mobility, and thermodynamic stability) performed at Invitae indicates that this missense variant is expected to disrupt GNAO1 protein function with a positive predictive value of 95%. In summary, the available evidence is currently insufficient to determine the role of this variant in disease. Therefore, it has been classified as a Variant of Uncertain Significance.

NM_020988.3(GNAO1):c.146T>C (p.Ile49Thr)

Gene: GNAO1 (G protein subunit alpha o1; plus strand). Cytogenetic location: 16q13.
Variant type: single nucleotide variant.
Coding change: c.146T>C on transcript NM_020988.3 (MANE Select); coding-DNA position 146, T replaced by C.
Protein change: p.Ile49Thr; replaces isoleucine 49 with threonine.
Molecular consequence: missense variant.
Genome position (GRCh38, 1-based): chr16:56,192,601, T>C. VCF-style: chr16-56192601-T-C. GRCh37 (hg19) VCF-style: chr16-56226513-T-C.
Other names: c.146T>C, p.Ile49Thr (NM_138736.3); short protein forms I49T.
Identifiers: ClinVar variation 3654238 (VCV003654238.2).